The following is an entry in ClinVar:

ClinVar aggregate classification (germline): Uncertain significance. Review status: criteria provided, multiple submitters, no conflicts (2 of 4 stars). 3 submissions from 3 submitters: Uncertain significance (3). Last evaluated 2024-09-04.

Conditions:
Inborn genetic diseases. Identifiers: MedGen C0950123, MeSH D030342.

Allele frequency attached by ClinVar (database versions not stated): gnomAD exomes 0.00001 and 0.00002; ExAC 0.00002; TOPMed 0.00002; gnomAD 0.00003; ESP Exome Variant Server 0.00008.
gnomAD v4.1: 30 of 1,613,982 alleles (0.0019%); highest among the groups gnomAD compares: Non-Finnish European, 0.0024%; no homozygotes.

Submissions (3):

Labcorp Genetics (formerly Invitae), Labcorp
Classification: Uncertain significance. Last evaluated: 2024-09-04. Review status: criteria provided, single submitter. Criteria: Invitae Variant Classification Sherloc (09022015). Collection method: clinical testing. Allele origin: germline.
Comment: This sequence change replaces valine, which is neutral and non-polar, with isoleucine, which is neutral and non-polar, at codon 1706 of the RP1 protein (p.Val1706Ile). This variant is present in population databases (rs369407541, gnomAD 0.003%). This variant has not been reported in the literature in individuals affected with RP1-related conditions. ClinVar contains an entry for this variant (Variation ID: 1440958). An algorithm developed to predict the effect of missense changes on protein structure and function outputs the following: PolyPhen-2: "Benign". The isoleucine amino acid residue is found in multiple mammalian species, which suggests that this missense change does not adversely affect protein function. In summary, the available evidence is currently insufficient to determine the role of this variant in disease. Therefore, it has been classified as a Variant of Uncertain Significance.

Ambry Genetics
Classification: Uncertain significance for Inborn genetic diseases. Last evaluated: 2022-03-29. Review status: criteria provided, single submitter. Criteria: Ambry Variant Classification Scheme 2023. Collection method: clinical testing. Allele origin: germline.

Blueprint Genetics
Classification: Uncertain significance. Last evaluated: 2020-11-24. Review status: criteria provided, single submitter. Criteria: ACMG Guidelines, 2015. Collection method: clinical testing. Allele origin: germline.

NM_006269.2(RP1):c.5116G>A (p.Val1706Ile)

Genes: RP1 (RP1 axonemal microtubule associated; plus strand), LOC126860392 (CDK7 strongly-dependent group 2 enhancer GRCh37_chr8:55541319-55542518; plus strand). Cytogenetic location: 8q12.1.
Variant type: single nucleotide variant.
Coding change: c.5116G>A on transcript NM_006269.2 (MANE Select); coding-DNA position 5116, G replaced by A.
Protein change: p.Val1706Ile; replaces valine 1706 with isoleucine.
Molecular consequence: missense variant. On other transcripts: intron variant (1).
Genome position (GRCh38, 1-based): chr8:54,628,998, G>A. VCF-style: chr8-54628998-G-A. GRCh37 (hg19) VCF-style: chr8-55541558-G-A.
Other names: c.787+6710G>A (NM_001375654.1); c.5116G>A (NM_006269.1); short protein forms V1706I.
Identifiers: ClinVar variation 1440958 (VCV001440958.10), dbSNP rs369407541, ClinGen allele CA4752008.